The following is an entry in ClinVar:

NM_025144.4(ALPK1):c.2989G>C (p.Glu997Gln)

Gene: ALPK1 (alpha kinase 1; plus strand). Cytogenetic location: 4q25.
Variant type: single nucleotide variant.
Coding change: c.2989G>C on transcript NM_025144.4 (MANE Select); coding-DNA position 2989, G replaced by C.
Protein change: p.Glu997Gln; replaces glutamic acid 997 with glutamine.
Molecular consequence: missense variant.
Genome position (GRCh38, 1-based): chr4:112,432,536, G>C. VCF-style: chr4-112432536-G-C. GRCh37 (hg19) VCF-style: chr4-113353692-G-C.
Other names: c.2989G>C, p.Glu997Gln (NM_001102406.2); c.2755G>C, p.Glu919Gln (NM_001253884.2); short protein forms E997Q, E919Q.
Identifiers: ClinVar variation 1928360 (VCV001928360.5), dbSNP rs148302623, ClinGen allele CA3047034.

ClinVar aggregate classification (germline): Uncertain significance (1 of 4 stars; one submission).

Allele frequency attached by ClinVar (database versions not stated): gnomAD exomes below 0.00001; ExAC 0.00001; ESP Exome Variant Server 0.00008.
gnomAD v4.1: 4 of 1,614,074 alleles (0.00025%); highest among the groups gnomAD compares: Middle Eastern, 0.016%; no homozygotes.

Submission:

Labcorp Genetics (formerly Invitae), Labcorp
Classification: Uncertain significance. Last evaluated: 2022-04-07. Review status: criteria provided, single submitter. Criteria: Invitae Variant Classification Sherloc (09022015). Collection method: clinical testing. Allele origin: germline.
Comment: In summary, the available evidence is currently insufficient to determine the role of this variant in disease. Therefore, it has been classified as a Variant of Uncertain Significance. Algorithms developed to predict the effect of missense changes on protein structure and function (SIFT, PolyPhen-2, Align-GVGD) all suggest that this variant is likely to be tolerated. This variant has not been reported in the literature in individuals affected with ALPK1-related conditions. This variant is present in population databases (rs148302623, gnomAD 0.003%). This sequence change replaces glutamic acid, which is acidic and polar, with glutamine, which is neutral and polar, at codon 997 of the ALPK1 protein (p.Glu997Gln).